The following is an entry in ClinVar:

NM_000548.5(TSC2):c.3916G>A (p.Gly1306Ser)

Gene: TSC2 (TSC complex subunit 2; plus strand). Cytogenetic location: 16p13.3.
Variant type: single nucleotide variant.
Coding change: c.3916G>A on transcript NM_000548.5 (MANE Select); coding-DNA position 3916, G replaced by A.
Protein change: p.Gly1306Ser; replaces glycine 1306 with serine.
Molecular consequence: missense variant. On other transcripts: non-coding transcript variant (5).
Genome position (GRCh38, 1-based): chr16:2,083,727, G>A. VCF-style: chr16-2083727-G-A. GRCh37 (hg19) VCF-style: chr16-2133728-G-A.
Other names: c.3715G>A, p.Gly1239Ser (NM_001077183.3); c.3847G>A, p.Gly1283Ser (NM_001114382.3); c.3607G>A, p.Gly1203Ser (NM_001318827.2); c.3571G>A, p.Gly1191Ser (NM_001318829.2); c.3184G>A, p.Gly1062Ser (NM_001318831.2); c.3748G>A, p.Gly1250Ser (NM_001318832.2); c.3718G>A, p.Gly1240Ser (NM_001363528.2); c.3784G>A, p.Gly1262Ser (NM_001370404.1); and 26 more; short protein forms G1040S, G1235S, G1236S, G1246S, G1262S, G1283S, G1305S, G705S.
Identifiers: ClinVar variation 2626415 (VCV002626415.2), dbSNP rs2151511096, ClinGen allele CA394297094.

ClinVar aggregate classification (germline): Uncertain significance (1 of 4 stars; one submission).

Conditions:
Hereditary cancer-predisposing syndrome. Also called: Tumor predisposition; Hereditary Cancer Syndrome; Hereditary neoplastic syndrome; Neoplastic Syndromes, Hereditary. Identifiers: Orphanet 140162, MedGen C0027672, MeSH D009386, MONDO:0015356.

Submission:

Ambry Genetics
Classification: Uncertain significance for Hereditary cancer-predisposing syndrome. Last evaluated: 2023-07-04. Review status: criteria provided, single submitter. Criteria: Ambry Variant Classification Scheme 2023. Collection method: clinical testing. Allele origin: germline.
Comment: The p.G1306S variant (also known as c.3916G>A), located in coding exon 32 of the TSC2 gene, results from a G to A substitution at nucleotide position 3916. The glycine at codon 1306 is replaced by serine, an amino acid with similar properties. This amino acid position is conserved. In addition, this alteration is predicted to be tolerated by in silico analysis. Since supporting evidence is limited at this time, the clinical significance of this alteration remains unclear.